The following is an entry in ClinVar:

NC_000018.9:g.77733765C>A

Gene: TXNL4A (thioredoxin like 4A; minus strand). Cytogenetic location: 18q23.
Variant type: single nucleotide variant.
Molecular consequence: nonsense (on NM_006701.5). On other transcripts: non-coding transcript variant (3).
Genome position: GRCh38 VCF-style: chr18-79973765-C-A. GRCh37 (hg19) VCF-style: chr18-77733765-C-A.
Other names: c.232G>T, p.Glu78Ter (NM_001303471.3); c.325G>T, p.Glu109Ter (NM_001305557.2); c.136G>T, p.Glu46Ter (NM_001305563.2, NM_001305564.2); c.349G>T, p.Glu117Ter (NM_006701.5); c.349G>T (NM_006701.4); short protein forms E117*, E46*, E109*, E78*.
Identifiers: ClinVar variation 162204 (VCV000162204.5), dbSNP rs727502793, ClinGen allele CA174997.

ClinVar aggregate classification (germline): Pathogenic/Likely pathogenic. Review status: criteria provided, multiple submitters, no conflicts (2 of 4 stars). 4 submissions from 4 submitters: Pathogenic (1); Likely pathogenic (1). 2 of the submissions do not count toward it. Last evaluated 2023-04-28.

Conditions:
TXNL4A-related disorder. Also called: TXNL4A-related condition.
Choanal atresia-hearing loss-cardiac defects-craniofacial dysmorphism syndrome (BMKS). Also called: Branchio oculo facial syndrome Hing type; Burn-McKeown syndrome; OCULOOTOFACIAL DYSPLASIA; Burn-McKeown Syndrome (BMKS). Identifiers: Orphanet 1200, MedGen C1837822, MONDO:0012064, OMIM 608572.

gnomAD v4.1: 4 of 1,614,174 alleles (0.00025%); highest among the groups gnomAD compares: Non-Finnish European, 0.00034%; no homozygotes.

Submissions (4):

PreventionGenetics, part of Exact Sciences
Classification: Pathogenic for TXNL4A-related condition. Last evaluated: 2023-04-28. Review status: criteria provided, single submitter. Criteria: ACMG Guidelines, 2015. Collection method: clinical testing. Allele origin: germline.
Comment: The TXNL4A c.349G>T variant is predicted to result in premature protein termination (p.Glu117*). This variant was reported in the compound heterozygous state in two siblings with Burn-McKeown syndrome (Wieczorek et al 2014. PubMed ID: 25434003; Wieczorek D et al 2003. PubMed ID: 14564154). This variant has not been reported in a large population database, indicating this variant is rare. Nonsense variants in TXNL4A are expected to be pathogenic. This variant is interpreted as pathogenic.

Fulgent Genetics
Classification: Likely pathogenic for Choanal atresia-hearing loss-cardiac defects-craniofacial dysmorphism syndrome. Last evaluated: 2022-02-25. Review status: criteria provided, single submitter. Criteria: ACMG Guidelines, 2015. Collection method: clinical testing. Allele origin: unknown.

OMIM
Classification: Pathogenic for BURN-MCKEOWN SYNDROME. Last evaluated: 2014-12-04. Review status: no assertion criteria provided. Collection method: literature only. Allele origin: germline. Not counted in ClinVar's aggregate classification.

GeneReviews
No classification provided. Condition: Choanal atresia-hearing loss-cardiac defects-craniofacial dysmorphism syndrome. Review status: no classification provided. Collection method: literature only. Allele origin: germline. Affected: yes. Not counted in ClinVar's aggregate classification.

Literature cited by the submitters: PubMed 14564154 (cited by OMIM); PubMed 25434003 (cited by OMIM and GeneReviews); NCBI Bookshelf NBK373577 (cited by GeneReviews).